The following is an entry in ClinVar:

NM_006206.6(PDGFRA):c.2741G>A (p.Arg914Gln)

Gene: PDGFRA (platelet derived growth factor receptor alpha; plus strand). Cytogenetic location: 4q12.
Variant type: single nucleotide variant.
Coding change: c.2741G>A on transcript NM_006206.6 (MANE Select); coding-DNA position 2741, G replaced by A.
Protein change: p.Arg914Gln; replaces arginine 914 with glutamine.
Molecular consequence: missense variant.
Genome position (GRCh38, 1-based): chr4:54,288,865, G>A. VCF-style: chr4-54288865-G-A. GRCh37 (hg19) VCF-style: chr4-55155032-G-A.
Other names: c.2816G>A, p.Arg939Gln (NM_001347828.2); c.2741G>A, p.Arg914Gln (NM_001347829.2); c.2780G>A, p.Arg927Gln (NM_001347830.2); short protein forms R914Q, R939Q, R927Q.
Identifiers: ClinVar variation 528523 (VCV000528523.14), dbSNP rs1428997941, ClinGen allele CA356895550.

ClinVar aggregate classification (germline): Uncertain significance. Review status: criteria provided, multiple submitters, no conflicts (2 of 4 stars). 2 submissions from 2 submitters: Uncertain significance (2). Last evaluated 2025-04-09.

Conditions:
Gastrointestinal stromal tumor. Also called: Gastrointestinal stroma tumor; Gastrointestinal stromal tumor, somatic. Identifiers: Orphanet 44890, MedGen C0238198, MeSH D046152, MONDO:0011719, OMIM 606764, HP:0100723.
Hereditary cancer-predisposing syndrome. Also called: Tumor predisposition; Hereditary neoplastic syndrome; Hereditary Cancer Syndrome; Neoplastic Syndromes, Hereditary. Identifiers: Orphanet 140162, MedGen C0027672, MeSH D009386, MONDO:0015356.

Allele frequency attached by ClinVar (database versions not stated): gnomAD exomes below 0.00001.
gnomAD v4.1: 3 of 1,612,862 alleles (0.00019%); highest among the groups gnomAD compares: African/African-American, 0.0013%; no homozygotes.

Submissions (2):

Labcorp Genetics (formerly Invitae), Labcorp
Classification: Uncertain significance for Gastrointestinal stromal tumor. Last evaluated: 2025-04-09. Review status: criteria provided, single submitter. Criteria: Invitae Variant Classification Sherloc (09022015). Collection method: clinical testing. Allele origin: germline.
Comment: This sequence change replaces arginine, which is basic and polar, with glutamine, which is neutral and polar, at codon 914 of the PDGFRA protein (p.Arg914Gln). This variant is not present in population databases (gnomAD no frequency). This variant has not been reported in the literature in individuals affected with PDGFRA-related conditions. ClinVar contains an entry for this variant (Variation ID: 528523). Invitae Evidence Modeling of protein sequence and biophysical properties (such as structural, functional, and spatial information, amino acid conservation, physicochemical variation, residue mobility, and thermodynamic stability) has been performed for this missense variant. However, the output from this modeling did not meet the statistical confidence thresholds required to predict the impact of this variant on PDGFRA protein function. In summary, the available evidence is currently insufficient to determine the role of this variant in disease. Therefore, it has been classified as a Variant of Uncertain Significance.

Ambry Genetics
Classification: Uncertain significance for Hereditary cancer-predisposing syndrome. Last evaluated: 2024-02-06. Review status: criteria provided, single submitter. Criteria: Ambry Variant Classification Scheme 2023. Collection method: clinical testing. Allele origin: germline.
Comment: The p.R914Q variant (also known as c.2741G>A), located in coding exon 19 of the PDGFRA gene, results from a G to A substitution at nucleotide position 2741. The arginine at codon 914 is replaced by glutamine, an amino acid with highly similar properties. This amino acid position is highly conserved in available vertebrate species. In addition, this alteration is predicted to be deleterious by in silico analysis. Since supporting evidence is limited at this time, the clinical significance of this alteration remains unclear.